The following is an entry in ClinVar:

ClinVar aggregate classification (germline): Uncertain significance (1 of 4 stars; one submission).

gnomAD v4.1: 2 of 1,613,522 alleles (0.00012%); highest among the groups gnomAD compares: African/African-American, 0.0027%; no homozygotes.

Submission:

Labcorp Genetics (formerly Invitae), Labcorp
Classification: Uncertain significance. Last evaluated: 2025-09-08. Review status: criteria provided, single submitter. Criteria: Invitae Variant Classification Sherloc (09022015). Collection method: clinical testing. Allele origin: germline.
Comment: This sequence change replaces lysine, which is basic and polar, with arginine, which is basic and polar, at codon 825 of the BCL11B protein (p.Lys825Arg). This variant is present in population databases (rs762403822, gnomAD 0.007%). This variant has not been reported in the literature in individuals affected with BCL11B-related conditions. Invitae Evidence Modeling of protein sequence and biophysical properties (such as structural, functional, and spatial information, amino acid conservation, physicochemical variation, residue mobility, and thermodynamic stability) has been performed for this missense variant. However, the output from this modeling did not meet the statistical confidence thresholds required to predict the impact of this variant on BCL11B protein function. In summary, the available evidence is currently insufficient to determine the role of this variant in disease. Therefore, it has been classified as a Variant of Uncertain Significance.

NM_138576.4(BCL11B):c.2474A>G (p.Lys825Arg)

Gene: BCL11B (BCL11 transcription factor B; minus strand). Cytogenetic location: 14q32.2.
Variant type: single nucleotide variant.
Coding change: c.2474A>G on transcript NM_138576.4 (MANE Select); coding-DNA position 2474, A replaced by G.
Protein change: p.Lys825Arg; replaces lysine 825 with arginine.
Molecular consequence: missense variant.
Genome position (GRCh38, 1-based): chr14:99,174,362, T>C on the plus strand (A>G on the coding strand, the complement: BCL11B is on the minus strand). VCF-style: chr14-99174362-T-C. GRCh37 (hg19) VCF-style: chr14-99640699-T-C.
Other names: c.2471A>G, p.Lys824Arg (NM_001282237.2); c.2258A>G, p.Lys753Arg (NM_001282238.2); c.2261A>G, p.Lys754Arg (NM_022898.3); short protein forms K753R, K754R, K824R, K825R.
Identifiers: ClinVar variation 4761952 (VCV004761952.1).